The following is an entry in ClinVar:

NM_033337.3(CAV3):c.100G>A (p.Glu34Lys)

Gene: CAV3 (caveolin 3; plus strand). Cytogenetic location: 3p25.3.
Variant type: single nucleotide variant.
Coding change: c.100G>A on transcript NM_033337.3 (MANE Select); coding-DNA position 100, G replaced by A.
Protein change: p.Glu34Lys; replaces glutamic acid 34 with lysine.
Molecular consequence: missense variant.
Genome position (GRCh38, 1-based): chr3:8,733,976, G>A. VCF-style: chr3-8733976-G-A. GRCh37 (hg19) VCF-style: chr3-8775662-G-A.
Other names: c.100G>A, p.Glu34Lys (NM_001234.5); short protein forms E34K.
Identifiers: ClinVar variation 31730 (VCV000031730.11), dbSNP rs199476325, ClinGen allele CA215184.
Genomic context (GRCh38, chr3:8,733,976, plus strand): 5'-GTCAAGGATATCCACTGCAAGGAGATTGACCTGGTGAACCGAGACCCCAAGAACATTAAC[G>A]AGGACATAGTCAAGGTAGGCTCTGCAGGCCTGCCTCGGCGGGCGGAGAGTGTCAGGTTTG-3'
Protein context (NP_203123.1, residues 24-44): LVNRDPKNIN[Glu34Lys]DIVKVDFEDV

ClinVar aggregate classification (germline): Conflicting classifications of pathogenicity. Review status: criteria provided, conflicting classifications (1 of 4 stars). 6 submissions from 6 submitters: Likely pathogenic (1); Uncertain significance (4). 1 of the submissions does not count toward it. Last evaluated 2025-08-07.

Conditions:
CAV3-related disorder. Also called: CAV3-related condition.
Cardiovascular phenotype. Identifiers: MedGen CN230736.
Long QT syndrome (LQTS). Identifiers: MedGen C0023976, MeSH D008133, MONDO:0002442. Disease mechanism: loss of function. Inheritance: Various modes of inheritance.
Cardiomyopathy (CMYO). Also called: Cardiomyopathies. Identifiers: Orphanet 167848, MedGen C0878544, MONDO:0004994, HP:0001638. Inheritance: Various modes of inheritance.
Rippling muscle disease 2 (RMD2). Also called: CAV3-Related Rippling Muscle Disease; Limb-girdle muscular dystrophy, type 1C. Identifiers: Orphanet 265, MedGen C1832560, MONDO:0019947, OMIM 606072.

Allele frequency attached by ClinVar (database versions not stated): ExAC 0.00001; gnomAD 0.00001; TOPMed 0.00001; gnomAD exomes 0.00002; ESP Exome Variant Server 0.00008.
gnomAD v4.1: 41 of 1,601,948 alleles (0.0026%); highest among the groups gnomAD compares: Non-Finnish European, 0.0033%; no homozygotes.

Submissions (6):

Labcorp Genetics (formerly Invitae), Labcorp
Classification: Uncertain significance for Long QT syndrome. Last evaluated: 2025-08-07. Review status: criteria provided, single submitter. Criteria: Invitae Variant Classification Sherloc (09022015). Collection method: clinical testing. Allele origin: germline.
Comment: This sequence change replaces glutamic acid, which is acidic and polar, with lysine, which is basic and polar, at codon 34 of the CAV3 protein (p.Glu34Lys). This variant is present in population databases (rs199476325, gnomAD 0.005%). This missense change has been observed in individuals with limb-girdle muscular dystrophy (LGMD) (PMID: 17897828, 27854218). This variant is also known as p.Glu33Lys. ClinVar contains an entry for this variant (Variation ID: 31730). An algorithm developed to predict the effect of missense changes on protein structure and function (PolyPhen-2) suggests that this variant is likely to be tolerated. In summary, the available evidence is currently insufficient to determine the role of this variant in disease. Therefore, it has been classified as a Variant of Uncertain Significance.

PreventionGenetics, part of Exact Sciences
Classification: Uncertain significance for CAV3-related condition. Last evaluated: 2025-03-14. Review status: criteria provided, single submitter. Criteria: ACMG Guidelines, 2015. Collection method: clinical testing. Allele origin: germline.
Comment: The CAV3 c.100G>A variant is predicted to result in the amino acid substitution p.Glu34Lys. This variant has been reported in the heterozygous state in at least one individual with limb girdle muscular dystrophy (Lo et al. 2008. PubMed ID: 17897828; Punetha et al. 2016. PubMed ID: 27854218). This variant was also present with a second CAV3 variant in a patient with early onset rippling muscle disease and absent caveolin 3 immunostaining on biopsy; but was inherited from a presumably unaffected parent (Longman et al. 2017. doi: 10.1016/j.nmd.2017.06.176). Functional studies suggested that this variant results in protein mislocalization (Longman et al. 2017. doi: 10.1016/j.nmd.2017.06.176). This variant is reported in 0.0050% of alleles in individuals of East Asian descent in gnomAD. This variant seems less likely to be contributing to an autosomal dominant disease, but may be relevant for autosomal recessive rippling muscle disease (Muller et al. 2006. PubMed ID: 16730439; Traverso et al. 2008. PubMed ID: 18487559; Ueyama et al. 2007. PubMed ID: 17537631). At this time, the clinical significance of this variant is uncertain due to the absence of conclusive functional and genetic evidence.

Ambry Genetics
Classification: Uncertain significance for Cardiovascular phenotype. Last evaluated: 2020-03-27. Review status: criteria provided, single submitter. Criteria: Ambry Variant Classification Scheme 2023. Collection method: clinical testing. Allele origin: germline.

CHEO Genetics Diagnostic Laboratory, Children's Hospital of Eastern Ontario
Classification: Uncertain significance for Cardiomyopathy. Last evaluated: 2017-01-09. Review status: criteria provided, single submitter. Criteria: ACMG Guidelines, 2015. Collection method: clinical testing. Allele origin: germline. Study: Canadian Open Genetics Repository.

Center for Genetic Medicine Research, Children's National Medical Center
Classification: Likely pathogenic for Rippling muscle disease 2. Last evaluated: 2015-12-01. Review status: criteria provided, single submitter. Criteria: Punetha et al. (J Neuromuscul Dis. 2016). Collection method: research. Allele origin: inherited. Affected: yes.

Leiden Muscular Dystrophy (CAV3)
No classification provided. Last evaluated: 2012-04-15. Review status: no classification provided. Collection method: curation. Allele origin: germline. Not counted in ClinVar's aggregate classification.

Literature cited by the submitters: PubMed 17897828 (cited by Labcorp Genetics (formerly Invitae), Labcorp); PubMed 27854218 (cited by Labcorp Genetics (formerly Invitae), Labcorp).